The following is an entry in ClinVar:

NM_020203.6(MEPE):c.876G>A (p.Glu292=)

Genes: MEPE (matrix extracellular phosphoglycoprotein; plus strand), MEPE-AS1 (MEPE and IBSP antisense RNA 1; minus strand). Cytogenetic location: 4q22.1.
Variant type: single nucleotide variant.
Coding change: c.876G>A on transcript NM_020203.6 (MANE Select); coding-DNA position 876, G replaced by A.
Protein change: p.Glu292=; no amino-acid change (glutamic acid 292 retained).
Molecular consequence: synonymous variant.
Genome position (GRCh38, 1-based): chr4:87,845,744, G>A. VCF-style: chr4-87845744-G-A. GRCh37 (hg19) VCF-style: chr4-88766896-G-A.
Other names: c.876G>A, p.Glu292= (NM_001184694.3); c.537G>A, p.Glu179= (NM_001184695.4, NM_001184696.2, NM_001184697.2); c.969G>A, p.Glu323= (NM_001291183.2).
Identifiers: ClinVar variation 3043104 (VCV003043104.2), dbSNP rs141911146, ClinGen allele CA3002740.
Genomic context (GRCh38, chr4:87,845,744, plus strand): 5'-TGGTCCTGACCTAGAAGGCAAAGATATTCAAACAGGGTTTGCAGGCCCAAGTGAAGCTGA[G>A]AGTACTCATCTTGACACAAAAAAGCCAGGTTATAATGAGATCCCAGAGAGAGAAGAAAAT-3'
Protein context (NP_064588.1, residues 282-302): QTGFAGPSEA[Glu292=]STHLDTKKPG

ClinVar aggregate classification (germline): Likely benign (0 of 4 stars; one submission).

Conditions:
MEPE-related disorder. Also called: MEPE-related condition.

Allele frequency attached by ClinVar (database versions not stated): TOPMed 0.00083; ESP Exome Variant Server 0.00085; gnomAD 0.00092; ExAC 0.00123; 1000 Genomes Project 0.00359; 1000 Genomes Project 30x 0.00375.

Submission:

PreventionGenetics, part of Exact Sciences
Classification: Likely benign for MEPE-related condition. Last evaluated: 2020-01-07. Review status: no assertion criteria provided. Collection method: clinical testing. Allele origin: germline.
Comment: This variant is classified as likely benign based on ACMG/AMP sequence variant interpretation guidelines (Richards et al. 2015 PMID: 25741868, with internal and published modifications).